The following is an entry in ClinVar:

NM_016816.4(OAS1):c.1042G>T (p.Glu348Ter)

Gene: OAS1 (2'-5'-oligoadenylate synthetase 1; plus strand). Cytogenetic location: 12q24.13.
Variant type: single nucleotide variant.
Coding change: c.1042G>T on transcript NM_016816.4 (MANE Select); coding-DNA position 1042, G replaced by T.
Protein change: p.Glu348Ter; replaces glutamic acid 348 with a stop codon.
Molecular consequence: nonsense. On other transcripts: intron variant (2).
Genome position (GRCh38, 1-based): chr12:112,919,392, G>T. VCF-style: chr12-112919392-G-T. GRCh37 (hg19) VCF-style: chr12-113357197-G-T.
Other names: c.1038+1692G>T (NM_001320151.2); c.1039-95G>T (NM_001032409.3); short protein forms E348*.
Identifiers: ClinVar variation 1496907 (VCV001496907.6), dbSNP rs374812528, ClinGen allele CA243754352.

ClinVar aggregate classification (germline): Uncertain significance (1 of 4 stars; one submission).

gnomAD v4.1: 17 of 1,611,566 alleles (0.0011%); highest among the groups gnomAD compares: Middle Eastern, 0.016%; no homozygotes.

Submission:

Labcorp Genetics (formerly Invitae), Labcorp
Classification: Uncertain significance. Last evaluated: 2024-02-17. Review status: criteria provided, single submitter. Criteria: Invitae Variant Classification Sherloc (09022015). Collection method: clinical testing. Allele origin: germline.
Comment: This sequence change creates a premature translational stop signal (p.Glu348*) in the OAS1 gene. While this is not anticipated to result in nonsense mediated decay, it is expected to disrupt the last 53 amino acid(s) of the OAS1 protein. This variant is present in population databases (no rsID available, gnomAD 0.01%). This variant has not been reported in the literature in individuals affected with OAS1-related conditions. ClinVar contains an entry for this variant (Variation ID: 1496907). Experimental studies and prediction algorithms are not available or were not evaluated, and the functional significance of this variant is currently unknown. In summary, the available evidence is currently insufficient to determine the role of this variant in disease. Therefore, it has been classified as a Variant of Uncertain Significance.